The following is an entry in ClinVar:

ClinVar aggregate classification (germline): Likely benign. Review status: criteria provided, multiple submitters, no conflicts (2 of 4 stars). 2 submissions from 2 submitters: Likely benign (2). Last evaluated 2024-03-25.

Conditions:
RYR1-related disorder. Also called: RYR1-related disorders; RYR1-related condition. Identifiers: MedGen CN239331.

Submissions (2):

Labcorp Genetics (formerly Invitae), Labcorp
Classification: Likely benign for RYR1-related disorder. Last evaluated: 2024-03-25. Review status: criteria provided, single submitter. Criteria: Invitae Variant Classification Sherloc (09022015). Collection method: clinical testing. Allele origin: germline.

GeneDx
Classification: Likely benign. Last evaluated: 2016-12-07. Review status: criteria provided, single submitter. Criteria: GeneDx Variant Classification (06012015). Collection method: clinical testing. Allele origin: germline. Affected: yes.
Comment: This variant is considered likely benign or benign based on one or more of the following criteria: it is a conservative change, it occurs at a poorly conserved position in the protein, it is predicted to be benign by multiple in silico algorithms, and/or has population frequency not consistent with disease.

NM_000540.3(RYR1):c.1673-11C>T

Gene: RYR1 (ryanodine receptor 1; plus strand). Cytogenetic location: 19q13.2.
Variant type: single nucleotide variant.
Coding change: c.1673-11C>T on transcript NM_000540.3 (MANE Select); 11 bases into the intron before coding-DNA position 1673, C replaced by T.
Molecular consequence: intron variant.
Genome position (GRCh38, 1-based): chr19:38,455,622, C>T. VCF-style: chr19-38455622-C-T. GRCh37 (hg19) VCF-style: chr19-38946262-C-T.
Other names: c.1673-11C>T (NM_001042723.2).
Identifiers: ClinVar variation 391585 (VCV000391585.3), dbSNP rs1057524149, ClinGen allele CA16608124.